The following is an entry in ClinVar:

ClinVar aggregate classification (germline): Pathogenic. Review status: criteria provided, single submitter (1 of 4 stars). 2 submissions from 2 submitters: Pathogenic (1). 1 of the submissions does not count toward it. Last evaluated 2026-01-19.

Conditions:
Aniridia 1 (AN1). Identifiers: Orphanet 250923, MedGen C0344542, MONDO:0024507, OMIM 106210.
Irido-corneo-trabecular dysgenesis (ASGD5). Also called: ANTERIOR SEGMENT DYSGENESIS 5. Identifiers: Orphanet 708, MedGen C0344559, MONDO:0011414, OMIM 604229, HP:0000659.

Submissions (2):

Labcorp Genetics (formerly Invitae), Labcorp
Classification: Pathogenic for Aniridia 1; Irido-corneo-trabecular dysgenesis. Last evaluated: 2026-01-19. Review status: criteria provided, single submitter. Criteria: Invitae Variant Classification Sherloc (09022015). Collection method: clinical testing. Allele origin: germline.
Comment: This sequence change affects an acceptor splice site in intron 7 of the PAX6 gene. It is expected to disrupt RNA splicing. Variants that disrupt the donor or acceptor splice site typically lead to a loss of protein function (PMID: 16199547), and loss-of-function variants in PAX6 are known to be pathogenic (PMID: 12634864). This variant is not present in population databases (gnomAD no frequency). Disruption of this splice site has been observed in individual(s) with aniridia (PMID: 32360764). ClinVar contains an entry for this variant (Variation ID: 800442). Algorithms developed to predict the effect of sequence changes on RNA splicing suggest that this variant may disrupt the consensus splice site. For these reasons, this variant has been classified as Pathogenic.

Wessex Regional Genetics Laboratory, Salisbury District Hospital
Classification: Pathogenic for Aniridia 1. Last evaluated: 2019-08-15. Review status: no assertion criteria provided. Criteria: ACMG Guidelines, 2015. Collection method: clinical testing. Allele origin: inherited. Inheritance: Autosomal dominant inheritance. Affected: yes. Not counted in ClinVar's aggregate classification.

Literature cited by the submitters: PubMed 16199547 (cited by Labcorp Genetics (formerly Invitae), Labcorp); PubMed 12634864 (cited by Labcorp Genetics (formerly Invitae), Labcorp); PubMed 32360764 (cited by Labcorp Genetics (formerly Invitae), Labcorp).

NM_001368894.2(PAX6):c.566-2A>G

Gene: PAX6 (paired box 6; minus strand). Cytogenetic location: 11p13.
Variant type: single nucleotide variant.
Coding change: c.566-2A>G on transcript NM_001368894.2 (MANE Select); the canonical splice acceptor site of the intron before coding-DNA position 566, A replaced by G.
Molecular consequence: splice acceptor variant.
Genome position (GRCh38, 1-based): chr11:31,794,790, T>C on the plus strand (A>G on the coding strand, the complement: PAX6 is on the minus strand). VCF-style: chr11-31794790-T-C. GRCh37 (hg19) VCF-style: chr11-31816338-T-C.
Other names: c.524-2A>G (NM_001127612.3, NM_001368890.2, NM_001368888.2 and 10 more transcripts); c.365-2A>G (NM_001368921.2, NM_001368923.2, NM_001368926.2 and 4 more transcripts); c.566-2A>G (NM_001258462.3, NM_001310158.2, NM_001258463.2 and 6 more transcripts); c.641-2A>G (NM_001368919.2, NM_001368918.2); c.767-2A>G (NM_001368910.2); c.116-2A>G (NM_001368909.2, NM_001368904.2, NM_001368905.2 and 11 more transcripts); c.569-2A>G (NM_001368911.2); c.323-2A>G (NM_001368928.2); and 2 more.
Identifiers: ClinVar variation 800442 (VCV000800442.3), dbSNP rs1592435653, ClinGen allele CA379957243.